The following is an entry in ClinVar:

ClinVar aggregate classification (germline): Uncertain significance (1 of 4 stars; one submission).

gnomAD v4.1: 2 of 1,613,914 alleles (0.00012%); highest among the groups gnomAD compares: South Asian, 0.0011%; no homozygotes.

Submission:

Labcorp Genetics (formerly Invitae), Labcorp
Classification: Uncertain significance. Last evaluated: 2025-04-09. Review status: criteria provided, single submitter. Criteria: Invitae Variant Classification Sherloc (09022015). Collection method: clinical testing. Allele origin: germline.
Comment: This sequence change replaces alanine, which is neutral and non-polar, with threonine, which is neutral and polar, at codon 181 of the FGF23 protein (p.Ala181Thr). This variant is not present in population databases (gnomAD no frequency). This variant has not been reported in the literature in individuals affected with FGF23-related conditions. Invitae Evidence Modeling of protein sequence and biophysical properties (such as structural, functional, and spatial information, amino acid conservation, physicochemical variation, residue mobility, and thermodynamic stability) has been performed for this missense variant. However, the output from this modeling did not meet the statistical confidence thresholds required to predict the impact of this variant on FGF23 protein function. In summary, the available evidence is currently insufficient to determine the role of this variant in disease. Therefore, it has been classified as a Variant of Uncertain Significance.

NM_020638.3(FGF23):c.541G>A (p.Ala181Thr)

Gene: FGF23 (fibroblast growth factor 23; minus strand). Cytogenetic location: 12p13.32.
Variant type: single nucleotide variant.
Coding change: c.541G>A on transcript NM_020638.3 (MANE Select); coding-DNA position 541, G replaced by A.
Protein change: p.Ala181Thr; replaces alanine 181 with threonine.
Molecular consequence: missense variant.
Genome position (GRCh38, 1-based): chr12:4,370,558, C>T on the plus strand (G>A on the coding strand, the complement: FGF23 is on the minus strand). VCF-style: chr12-4370558-C-T. GRCh37 (hg19) VCF-style: chr12-4479724-C-T.
Other names: short protein forms A181T.
Identifiers: ClinVar variation 4765880 (VCV004765880.1).